The following is an entry in ClinVar:

NM_004247.3:c.1276_1277insAlu

Gene: EFTUD2 (elongation factor Tu GTP binding domain containing 2; minus strand). Cytogenetic location: 17q21.31.
Variant type: Insertion.
Identifiers: ClinVar variation 813276 (VCV000813276.2).

ClinVar aggregate classification (germline): Pathogenic. Review status: criteria provided, single submitter (1 of 4 stars). 2 submissions from 1 submitter: Pathogenic (1). 1 of the submissions does not count toward it. Last evaluated 2019-06-03.

Submissions (2):

GeneDx
Classification: Pathogenic. Last evaluated: 2019-06-03. Review status: criteria provided, single submitter. Criteria: GeneDx Variant Classification (06012015). Collection method: clinical testing. Allele origin: germline. Affected: yes.
Comment: The c.1276_1277insAlu variant in the EFTUD2 gene has not been reported previously as a pathogenic variant nor as a benign variant, to our knowledge. Mobile insertion elements, including retrotransposon-mediated events such as Alu inserts, are estimated to account for 1 in 600 disease causing variants (Kazazian et al., 1999). Therefore, we interpret c.1276_1277insAlu as a pathogenic variant.

GeneDx
Classification: Pathogenic. Last evaluated: 2019-06-03. Review status: flagged submission. Criteria: GeneDx Variant Classification (06012015). Collection method: clinical testing. Allele origin: germline. Affected: yes. Not counted in ClinVar's aggregate classification.
Comment: the same text as in the submission from GeneDx above.
ClinVar note: Reason: This record appears to be redundant with a more recent record from the same submitter.
ClinVar note: Notes: SCV001142746 appears to be redundant with SCV000998935.